The following is an entry in ClinVar:

ClinVar aggregate classification (germline): Pathogenic/Likely pathogenic. Review status: criteria provided, multiple submitters, no conflicts (2 of 4 stars). 2 submissions from 2 submitters: Pathogenic (1); Likely pathogenic (1). Last evaluated 2024-11-18.

Conditions:
Primary ciliary dyskinesia. Also called: Ciliary dyskinesia. Identifiers: Orphanet 244, MedGen C0008780, MONDO:0016575, HP:0012265.

Allele frequency attached by ClinVar (database versions not stated): gnomAD exomes below 0.00001.
gnomAD v4.1: 1 of 1,612,780 alleles (0.000062%); highest among the groups gnomAD compares: Middle Eastern, 0.017%; no homozygotes.

Submissions (2):

Natera, Inc.
Classification: Likely pathogenic for Primary ciliary dyskinesia. Last evaluated: 2024-11-18. Review status: criteria provided, single submitter. Criteria: Natera Variant Classification Schema (03/2026). Collection method: clinical testing. Allele origin: germline.
Comment: The c.2734G>T variant in DNAH5 is a nonsense variant predicted to introduce a stop codon at amino acid 912. This variant is expected to result in nonsense mediated decay, truncation, or a dysfunctional protein product. This variant is rare in the general population with a frequency below the threshold expected for the associated phenotype(s). Given the available evidence, this variant is classified as Likely Pathogenic.

Labcorp Genetics (formerly Invitae), Labcorp
Classification: Pathogenic for Primary ciliary dyskinesia. Last evaluated: 2022-06-20. Review status: criteria provided, single submitter. Criteria: Invitae Variant Classification Sherloc (09022015). Collection method: clinical testing. Allele origin: germline.
Comment: For these reasons, this variant has been classified as Pathogenic. Algorithms developed to predict the effect of sequence changes on RNA splicing suggest that this variant may disrupt the consensus splice site. ClinVar contains an entry for this variant (Variation ID: 854037). This variant has not been reported in the literature in individuals affected with DNAH5-related conditions. This variant is not present in population databases (gnomAD no frequency). This sequence change creates a premature translational stop signal (p.Glu912*) in the DNAH5 gene. It is expected to result in an absent or disrupted protein product. Loss-of-function variants in DNAH5 are known to be pathogenic (PMID: 11788826, 16627867).

Literature cited by the submitters: PubMed 11788826 (cited by Labcorp Genetics (formerly Invitae), Labcorp); PubMed 16627867 (cited by Labcorp Genetics (formerly Invitae), Labcorp).

NM_001369.3(DNAH5):c.2734G>T (p.Glu912Ter)

Genes: DNAH5 (dynein axonemal heavy chain 5; minus strand), DNAH5-AS1 (DNAH5 antisense RNA 1; plus strand). Cytogenetic location: 5p15.2.
Variant type: single nucleotide variant.
Coding change: c.2734G>T on transcript NM_001369.3 (MANE Select); coding-DNA position 2734, G replaced by T.
Protein change: p.Glu912Ter; replaces glutamic acid 912 with a stop codon.
Molecular consequence: nonsense.
Genome position (GRCh38, 1-based): chr5:13,885,973, C>A on the plus strand (G>T on the coding strand, the complement: DNAH5 is on the minus strand). VCF-style: chr5-13885973-C-A. GRCh37 (hg19) VCF-style: chr5-13886082-C-A.
Other names: short protein forms E912*.
Identifiers: ClinVar variation 854037 (VCV000854037.10), dbSNP rs1772369775, ClinGen allele CA359196053.